The following is an entry in ClinVar:

NM_001385012.1(NBEA):c.850C>T (p.Arg284Cys)

Gene: NBEA (neurobeachin; plus strand). Cytogenetic location: 13q13.3.
Variant type: single nucleotide variant.
Coding change: c.850C>T on transcript NM_001385012.1 (MANE Select); coding-DNA position 850, C replaced by T.
Protein change: p.Arg284Cys; replaces arginine 284 with cysteine.
Molecular consequence: missense variant.
Genome position (GRCh38, 1-based): chr13:35,050,273, C>T. VCF-style: chr13-35050273-C-T. GRCh37 (hg19) VCF-style: chr13-35624410-C-T.
Other names: c.850C>T, p.Arg284Cys (NM_001379245.1, NM_015678.5); short protein forms R284C.
Identifiers: ClinVar variation 2506988 (VCV002506988.2), dbSNP rs1190989650, ClinGen allele CA387961780.

ClinVar aggregate classification (germline): Uncertain significance (1 of 4 stars; one submission).

Conditions:
Neurodevelopmental disorder with or without early-onset generalized epilepsy. Identifiers: MedGen C5436914, MONDO:0030930, OMIM 619157.

Allele frequency attached by ClinVar (database versions not stated): gnomAD exomes below 0.00001; TOPMed below 0.00001; gnomAD 0.00001.
gnomAD v4.1: 6 of 1,607,826 alleles (0.00037%); highest among the groups gnomAD compares: Non-Finnish European, 0.00051%; no homozygotes.

Submission:

Institute of Human Genetics, University of Goettingen
Classification: Uncertain significance for Neurodevelopmental disorder with or without early-onset generalized epilepsy. Last evaluated: 2023-06-30. Review status: criteria provided, single submitter. Criteria: ACMG Guidelines, 2015. Collection method: clinical testing. Allele origin: unknown. Inheritance: Sporadic. Observed: 1 heterozygote.
Comment: The variant c.850C>T (p.(Arg284Cys)) in exon 6 of the NBEA-gene is not found in the gnomAD database, it affects a highly conserved nucleotide and a highly conserved amino acid within a protein domain and there is a large physicochemical difference between Arg and Cys. This variant has a pathogenic computational verdict based on in silico prediction algorithms. ACMG criteria used for classification: PM2_mod, PP2, PP3.